The following is an entry in ClinVar:

ClinVar aggregate classification (germline): Likely benign. Review status: criteria provided, multiple submitters, no conflicts (2 of 4 stars). 3 submissions from 3 submitters: Likely benign (3). Last evaluated 2026-04-01.

Conditions:
Familial thoracic aortic aneurysm and aortic dissection (TAAD). Also called: Thoracic aortic aneurysms and dissections. Identifiers: Orphanet 91387, MedGen C4707243, MONDO:0019625.
Aortic aneurysm, familial thoracic 7 (AAT7). Also called: AORTIC DISSECTION, FAMILIAL, WITH OR WITHOUT AORTIC ANEURYSM. Identifiers: MedGen C3151077, MONDO:0013418, OMIM 613780.

Allele frequency attached by ClinVar (database versions not stated): gnomAD exomes below 0.00001 and 0.00001; TOPMed below 0.00001; gnomAD 0.00001.
gnomAD v4.1: 13 of 1,613,730 alleles (0.00081%); highest among the groups gnomAD compares: Non-Finnish European, 0.0011%; no homozygotes.

Submissions (3):

CeGaT Center for Human Genetics Tuebingen
Classification: Likely benign. Last evaluated: 2026-04-01. Review status: criteria provided, single submitter. Criteria: CeGaT Center For Human Genetics Tuebingen Variant Classification Criteria Version 2. Collection method: clinical testing. Allele origin: germline. Affected: yes. Observed: 1 variant allele.
Comment: MYLK: BP4, BP7

Labcorp Genetics (formerly Invitae), Labcorp
Classification: Likely benign for Aortic aneurysm, familial thoracic 7. Last evaluated: 2024-07-02. Review status: criteria provided, single submitter. Criteria: Invitae Variant Classification Sherloc (09022015). Collection method: clinical testing. Allele origin: germline.

Ambry Genetics
Classification: Likely benign for Familial thoracic aortic aneurysm and aortic dissection. Last evaluated: 2022-05-30. Review status: criteria provided, single submitter. Criteria: Ambry Variant Classification Scheme 2023. Collection method: clinical testing. Allele origin: germline.

NM_053025.4(MYLK):c.4020C>G (p.Ala1340=)

Gene: MYLK (myosin light chain kinase; minus strand). Cytogenetic location: 3q21.1.
Variant type: single nucleotide variant.
Coding change: c.4020C>G on transcript NM_053025.4 (MANE Select); coding-DNA position 4020, C replaced by G.
Protein change: p.Ala1340=; no amino-acid change (alanine 1340 retained).
Molecular consequence: synonymous variant.
Genome position (GRCh38, 1-based): chr3:123,657,394, G>C on the plus strand (C>G on the coding strand, the complement: MYLK is on the minus strand). VCF-style: chr3-123657394-G-C. GRCh37 (hg19) VCF-style: chr3-123376241-G-C.
Other names: c.3492C>G, p.Ala1164= (NM_001321309.2); c.3813C>G, p.Ala1271= (NM_053026.4, NM_053028.4); c.4020C>G, p.Ala1340= (NM_053027.4).
Identifiers: ClinVar variation 1544006 (VCV001544006.12), dbSNP rs558217927, ClinGen allele CA82924857.